The following is an entry in ClinVar:

NM_021096.4(CACNA1I):c.4053C>T (p.Ala1351=)

Gene: CACNA1I (calcium voltage-gated channel subunit alpha1 I; plus strand). Cytogenetic location: 22q13.1.
Variant type: single nucleotide variant.
Coding change: c.4053C>T on transcript NM_021096.4 (MANE Select); coding-DNA position 4053, C replaced by T.
Protein change: p.Ala1351=; no amino-acid change (alanine 1351 retained).
Molecular consequence: synonymous variant.
Genome position (GRCh38, 1-based): chr22:39,665,955, C>T. VCF-style: chr22-39665955-C-T. GRCh37 (hg19) VCF-style: chr22-40061960-C-T.
Other names: c.3948C>T, p.Ala1316= (NM_001003406.2).
Identifiers: ClinVar variation 4084601 (VCV004084601.8).

ClinVar aggregate classification (germline): Likely benign (1 of 4 stars; one submission).

gnomAD v4.1: 14 of 1,613,676 alleles (0.00087%); highest among the groups gnomAD compares: South Asian, 0.0088%; no homozygotes.

Submission:

CeGaT Center for Human Genetics Tuebingen
Classification: Likely benign. Last evaluated: 2025-07-01. Review status: criteria provided, single submitter. Criteria: CeGaT Center For Human Genetics Tuebingen Variant Classification Criteria Version 2. Collection method: clinical testing. Allele origin: germline. Affected: yes. Observed: 1 variant allele.
Comment: CACNA1I: BP4, BP7